The following is an entry in ClinVar:

ClinVar aggregate classification (germline): Conflicting classifications of pathogenicity. Review status: criteria provided, conflicting classifications (1 of 4 stars). 2 submissions from 2 submitters: Likely pathogenic (1); Uncertain significance (1). Last evaluated 2026-01-13.

Conditions:
Breast-ovarian cancer, familial, susceptibility to, 2 (BROVCA2). Also called: BRCA2 Hereditary Breast and Ovarian Cancer. Identifiers: Orphanet 145, MedGen C2675520, MONDO:0012933, OMIM 612555. Disease mechanism: loss of function.
Hereditary breast ovarian cancer syndrome. Also called: Breast and ovarian cancer; Hereditary breast and/or ovarian cancer syndrome; BRCA1- and BRCA2-Associated Hereditary Breast and Ovarian Cancer; Hereditary breast and ovarian cancer syndrome; Hereditary breast and ovarian cancer; Hereditary breast and ovarian cancer syndrome (HBOC). Identifiers: Orphanet 145, MedGen C0677776, MeSH D061325, MONDO:0003582. Disease mechanism: loss of function.

gnomAD v4.1: 1 of 1,614,158 alleles (0.000062%); highest among the groups gnomAD compares: Admixed American, 0.0017%; no homozygotes.

Submissions (2):

Myriad Genetics, Inc.
Classification: Likely pathogenic for Breast-ovarian cancer, familial, susceptibility to, 2. Last evaluated: 2026-01-13. Review status: criteria provided, single submitter. Criteria: Myriad Autosomal Dominant, Autosomal Recessive and X-Linked Classification Criteria (2023). Collection method: clinical testing. Allele origin: unknown.
Comment: This variant is considered likely pathogenic. This variant has been reported in an individual with clinical features of gene-specific disease [PMID: 35230882]. Functional studies indicate this variant impacts protein function [PMID: 29988080, 39779848, 39779857].

Labcorp Genetics (formerly Invitae), Labcorp
Classification: Uncertain significance for Hereditary breast ovarian cancer syndrome. Last evaluated: 2022-03-25. Review status: criteria provided, single submitter. Criteria: Invitae Variant Classification Sherloc (09022015). Collection method: clinical testing. Allele origin: germline.
Comment: In summary, the available evidence is currently insufficient to determine the role of this variant in disease. Therefore, it has been classified as a Variant of Uncertain Significance. Experimental studies have shown that this missense change affects BRCA2 function (PMID: 29988080). Algorithms developed to predict the effect of missense changes on protein structure and function (SIFT, PolyPhen-2, Align-GVGD) all suggest that this variant is likely to be disruptive. This variant has not been reported in the literature in individuals affected with BRCA2-related conditions. This variant is not present in population databases (gnomAD no frequency). This sequence change replaces arginine, which is basic and polar, with serine, which is neutral and polar, at codon 2625 of the BRCA2 protein (p.Arg2625Ser).

Literature cited by the submitters: PubMed 35230882 (cited by Myriad Genetics, Inc.); PubMed 29988080 (cited by Myriad Genetics, Inc. and Labcorp Genetics (formerly Invitae), Labcorp); PubMed 39779848 (cited by Myriad Genetics, Inc.); PubMed 39779857 (cited by Myriad Genetics, Inc.).

NM_000059.4(BRCA2):c.7875A>T (p.Arg2625Ser)

Gene: BRCA2 (BRCA2 DNA repair associated; plus strand). Cytogenetic location: 13q13.1.
Variant type: single nucleotide variant.
Coding change: c.7875A>T on transcript NM_000059.4 (MANE Select); coding-DNA position 7875, A replaced by T.
Protein change: p.Arg2625Ser; replaces arginine 2625 with serine.
Molecular consequence: missense variant.
Genome position (GRCh38, 1-based): chr13:32,362,592, A>T. VCF-style: chr13-32362592-A-T. GRCh37 (hg19) VCF-style: chr13-32936729-A-T.
Other names: c.7779A>T, p.Arg2593Ser (NM_001406719.1); c.7875A>T, p.Arg2625Ser (NM_001406720.1); c.2943A>T, p.Arg981Ser (NM_001406721.1); c.1458A>T, p.Arg486Ser (NM_001406722.1); short protein forms R2625S, R2593S, R486S, R981S.
Identifiers: ClinVar variation 2169574 (VCV002169574.5), dbSNP rs2137577015, ClinGen allele CA387747099.